The following is an entry in ClinVar:

NM_007294.4(BRCA1):c.2990A>G (p.Asn997Ser)

Gene: BRCA1 (BRCA1 DNA repair associated; minus strand). Cytogenetic location: 17q21.31.
Variant type: single nucleotide variant.
Coding change: c.2990A>G on transcript NM_007294.4 (MANE Select); coding-DNA position 2990, A replaced by G.
Protein change: p.Asn997Ser; replaces asparagine 997 with serine.
Molecular consequence: missense variant. On other transcripts: intron variant (137).
Genome position (GRCh38, 1-based): chr17:43,092,541, T>C on the plus strand (A>G on the coding strand, the complement: BRCA1 is on the minus strand). VCF-style: chr17-43092541-T-C. GRCh37 (hg19) VCF-style: chr17-41244558-T-C.
Other names: c.2777A>G, p.Asn926Ser (NM_001407571.1, NM_001407853.1, NM_001407894.1 and 9 more transcripts); c.2990A>G, p.Asn997Ser (NM_001407581.1, NM_001407582.1, NM_001407583.1 and 30 more transcripts); c.2987A>G, p.Asn996Ser (NM_001407587.1, NM_001407590.1, NM_001407591.1 and 22 more transcripts); c.2981A>G, p.Asn994Ser (NM_001407646.1, NM_001407647.1); c.2867A>G, p.Asn956Ser (NM_001407648.1, NM_001407664.1, NM_001407665.1 and 19 more transcripts); c.2864A>G, p.Asn955Ser (NM_001407649.1, NM_001407670.1, NM_001407671.1 and 11 more transcripts); c.2912A>G, p.Asn971Ser (NM_001407653.1, NM_001407654.1, NM_001407655.1 and 4 more transcripts); c.2909A>G, p.Asn970Ser (NM_001407659.1, NM_001407660.1, NM_001407661.1 and 1 more transcripts); and 41 more; short protein forms N997S, N950S, N886S, N956S, N970S, N869S, N885S, N829S.
Identifiers: ClinVar variation 822444 (VCV000822444.17), dbSNP rs1597866298, ClinGen allele CA10596015.

ClinVar aggregate classification (germline): Conflicting classifications of pathogenicity. Review status: criteria provided, conflicting classifications (1 of 4 stars). 3 submissions from 3 submitters: Uncertain significance (2); Likely benign (1). Last evaluated 2023-03-23.

Conditions:
Hereditary breast ovarian cancer syndrome. Also called: Hereditary breast and ovarian cancer; Breast and ovarian cancer; Hereditary breast and/or ovarian cancer syndrome; Hereditary breast and ovarian cancer syndrome; BRCA1- and BRCA2-Associated Hereditary Breast and Ovarian Cancer; Hereditary breast and ovarian cancer syndrome (HBOC). Identifiers: Orphanet 145, MedGen C0677776, MeSH D061325, MONDO:0003582. Disease mechanism: loss of function.
Hereditary cancer-predisposing syndrome. Also called: Tumor predisposition; Hereditary Cancer Syndrome; Neoplastic Syndromes, Hereditary; Hereditary neoplastic syndrome. Identifiers: Orphanet 140162, MedGen C0027672, MeSH D009386, MONDO:0015356.

Allele frequency attached by ClinVar (database versions not stated): gnomAD exomes below 0.00001.
gnomAD v4.1: 1 of 1,614,084 alleles (0.000062%); highest among the groups gnomAD compares: South Asian, 0.0011%; no homozygotes.

Submissions (3):

University of Washington Department of Laboratory Medicine, University of Washington
Classification: Likely benign for Hereditary cancer-predisposing syndrome. Last evaluated: 2023-03-23. Review status: criteria provided, single submitter. Criteria: Dines et al. (Genet Med. 2020). Collection method: curation. Allele origin: germline.
Comment: Missense variant in a coldspot region where missense variants are very unlikely to be pathogenic (PMID:31911673).

BRCA1 coldspot (exon 11 using historical exon numbering). Reclassification based on statistical prior probability

Labcorp Genetics (formerly Invitae), Labcorp
Classification: Uncertain significance for Hereditary breast ovarian cancer syndrome. Last evaluated: 2019-09-26. Review status: criteria provided, single submitter. Criteria: Invitae Variant Classification Sherloc (09022015). Collection method: clinical testing. Allele origin: germline.
Comment: This sequence change replaces asparagine with serine at codon 997 of the BRCA1 protein (p.Asn997Ser). The asparagine residue is moderately conserved and there is a small physicochemical difference between asparagine and serine. This variant is not present in population databases (ExAC no frequency). This variant has not been reported in the literature in individuals with BRCA1-related conditions. Algorithms developed to predict the effect of missense changes on protein structure and function output the following: SIFT: "Tolerated"; PolyPhen-2: "Benign"; Align-GVGD: "Class C0". The serine amino acid residue is found in multiple mammalian species, suggesting that this missense change does not adversely affect protein function. These predictions have not been confirmed by published functional studies and their clinical significance is uncertain. In summary, the available evidence is currently insufficient to determine the role of this variant in disease. Therefore, it has been classified as a Variant of Uncertain Significance.

Ambry Genetics
Classification: Uncertain significance for Hereditary cancer-predisposing syndrome. Last evaluated: 2018-04-25. Review status: criteria provided, single submitter. Criteria: Ambry Variant Classification Scheme 2023. Collection method: clinical testing. Allele origin: germline.
Comment: The p.N997S variant (also known as c.2990A>G), located in coding exon 9 of the BRCA1 gene, results from an A to G substitution at nucleotide position 2990. The asparagine at codon 997 is replaced by serine, an amino acid with highly similar properties. This amino acid position is not well conserved in available vertebrate species. In addition, this alteration is predicted to be tolerated by in silico analysis. Since supporting evidence is limited at this time, the clinical significance of this alteration remains unclear.